The following is an entry in ClinVar:

ClinVar aggregate classification (germline): Uncertain significance (1 of 4 stars; one submission).

Conditions:
Sulfite oxidase deficiency due to molybdenum cofactor deficiency type A. Also called: Molybdenum Cofactor Deficiency A; Molybdenum cofactor deficiency, complementation group A. Identifiers: Orphanet 308386, Orphanet 833, MedGen C1854988, MONDO:0009643, OMIM 252150.

Allele frequency attached by ClinVar (database versions not stated): gnomAD exomes below 0.00001.
gnomAD v4.1: 1 of 1,614,120 alleles (0.000062%); highest among the groups gnomAD compares: South Asian, 0.0011%; no homozygotes.

Submission:

Labcorp Genetics (formerly Invitae), Labcorp
Classification: Uncertain significance for Sulfite oxidase deficiency due to molybdenum cofactor deficiency type A. Last evaluated: 2022-03-04. Review status: criteria provided, single submitter. Criteria: Invitae Variant Classification Sherloc (09022015). Collection method: clinical testing. Allele origin: germline.
Comment: In summary, the available evidence is currently insufficient to determine the role of this variant in disease. Therefore, it has been classified as a Variant of Uncertain Significance. This sequence change replaces phenylalanine, which is neutral and non-polar, with leucine, which is neutral and non-polar, at codon 445 of the MOCS1 protein (p.Phe445Leu). This variant is not present in population databases (gnomAD no frequency). This variant has not been reported in the literature in individuals affected with MOCS1-related conditions. Algorithms developed to predict the effect of missense changes on protein structure and function output the following: SIFT: "Not Available"; PolyPhen-2: "Benign"; Align-GVGD: "Not Available". The leucine amino acid residue is found in multiple mammalian species, which suggests that this missense change does not adversely affect protein function.

NM_001358530.2(MOCS1):c.1333T>C (p.Phe445Leu)

Gene: MOCS1 (molybdenum cofactor synthesis 1; minus strand). Cytogenetic location: 6p21.2.
Variant type: single nucleotide variant.
Coding change: c.1333T>C on transcript NM_001358530.2 (MANE Select); coding-DNA position 1333, T replaced by C.
Protein change: p.Phe445Leu; replaces phenylalanine 445 with leucine.
Molecular consequence: missense variant. On other transcripts: 3 prime UTR variant (4), non-coding transcript variant (1).
Genome position (GRCh38, 1-based): chr6:39,906,935, A>G on the plus strand (T>C on the coding strand, the complement: MOCS1 is on the minus strand). VCF-style: chr6-39906935-A-G. GRCh37 (hg19) VCF-style: chr6-39874711-A-G.
Other names: c.*190T>C (NM_001075098.4, NM_001358533.2, NM_001358534.2 and 1 more transcripts); c.1285T>C, p.Phe429Leu (NM_001358529.2); c.1072T>C, p.Phe358Leu (NM_001358531.2); short protein forms F358L, F445L, F429L.
Identifiers: ClinVar variation 2106906 (VCV002106906.4), dbSNP rs1582799981, ClinGen allele CA364040745.
Genomic context (GRCh38, chr6:39,906,935, plus strand): 5'-CTGGGCTAAGGCACTTTGAGTTGGCATCTGAGTCTGCACGGGAAGTGTAGTGTCTCTGAA[A>G]GGAGCCAGACCCCAGCCGCTGCTGGGCTAGAGGAGGGGTCTGGGGGACCCTGCATCCTTT-3'
Protein context (NP_001345459.1, residues 435-455): LAQQRLGSGS[Phe445Leu]QRHYTSRADS